The following is an entry in ClinVar:

ClinVar aggregate classification (germline): Uncertain significance (1 of 4 stars; one submission).

Conditions:
Familial cancer of breast. Also called: hereditary breast carcinoma; Hereditary breast cancer; BREAST CANCER, FAMILIAL. Identifiers: Orphanet 227535, MedGen C0346153, MONDO:0016419, OMIM 114480. Disease mechanism: loss of function.

Submission:

Labcorp Genetics (formerly Invitae), Labcorp
Classification: Uncertain significance for Familial cancer of breast. Last evaluated: 2022-05-27. Review status: criteria provided, single submitter. Criteria: Invitae Variant Classification Sherloc (09022015). Collection method: clinical testing. Allele origin: germline.
Comment: This sequence change replaces serine, which is neutral and polar, with glycine, which is neutral and non-polar, at codon 431 of the PALB2 protein (p.Ser431Gly). This variant is not present in population databases (gnomAD no frequency). In summary, the available evidence is currently insufficient to determine the role of this variant in disease. Therefore, it has been classified as a Variant of Uncertain Significance. Algorithms developed to predict the effect of missense changes on protein structure and function are either unavailable or do not agree on the potential impact of this missense change (SIFT: "Deleterious"; PolyPhen-2: "Possibly Damaging"; Align-GVGD: "Class C0"). This variant has not been reported in the literature in individuals affected with PALB2-related conditions.

NM_024675.4(PALB2):c.1291A>G (p.Ser431Gly)

Gene: PALB2 (partner and localizer of BRCA2; minus strand). Cytogenetic location: 16p12.2.
Variant type: single nucleotide variant.
Coding change: c.1291A>G on transcript NM_024675.4 (MANE Select); coding-DNA position 1291, A replaced by G.
Protein change: p.Ser431Gly; replaces serine 431 with glycine.
Molecular consequence: missense variant.
Genome position (GRCh38, 1-based): chr16:23,635,255, T>C on the plus strand (A>G on the coding strand, the complement: PALB2 is on the minus strand). VCF-style: chr16-23635255-T-C. GRCh37 (hg19) VCF-style: chr16-23646576-T-C.
Other names: c.1231A>G, p.Ser411Gly (NM_001407296.1); c.1291A>G, p.Ser431Gly (NM_001407297.1, NM_001407298.1, NM_001407299.1 and 3 more transcripts); c.406A>G, p.Ser136Gly (NM_001407304.1, NM_001407305.1, NM_001407306.1 and 5 more transcripts); short protein forms S411G, S431G, S136G.
Identifiers: ClinVar variation 1999256 (VCV001999256.4), dbSNP rs2142420286, ClinGen allele CA395132506.